The following is an entry in ClinVar:

NM_000195.5(HPS1):c.988-44_1023delinsT

Gene: HPS1 (HPS1 biogenesis of lysosomal organelles complex 3 subunit 1; minus strand). Cytogenetic location: 10q24.2.
Variant type: Indel.
Coding change: c.988-44_1023delinsT on transcript NM_000195.5 (MANE Select); 44 bases into the intron before coding-DNA position 988 through coding-DNA position 1023, the reference bases replaced by T.
Molecular consequence: splice acceptor variant.
Genome position (GRCh38, 1-based): chr10:98,425,950-98,426,029, 80 bases replaced. GRCh37 (hg19): chr10:100,185,707-100,185,786.
Other names: c.988-44_1023delinsT (NM_000195.3, NM_001322476.2, NM_001322477.2); c.619-44_654delinsT (NM_001322483.2, NM_001322484.2); c.727-44_762delinsT (NM_001322480.2, NM_001322481.2); c.889-44_924delinsT (NM_001322478.2, NM_001322479.2); c.520-44_555delinsT (NM_001322485.2); c.628-44_663delinsT (NM_001322482.2); c.16-44_51delinsT (NM_001322489.2, NM_001311345.2, NM_001322487.2).
Identifiers: ClinVar variation 280573 (VCV000280573.4), dbSNP rs1591055649, ClinGen allele CA10603129.

ClinVar aggregate classification (germline): Likely pathogenic. Review status: criteria provided, multiple submitters, no conflicts (2 of 4 stars). 2 submissions from 2 submitters: Likely pathogenic (2). Last evaluated 2022-10-19.

Conditions:
Hermansky-Pudlak syndrome 1 (HPS1). Also called: DELTA STORAGE POOL DISEASE. Identifiers: Orphanet 231500, Orphanet 79430, MedGen C2931875, MONDO:0008748, OMIM 203300.

Submissions (2):

GeneDx
Classification: Likely pathogenic. Last evaluated: 2022-10-19. Review status: criteria provided, single submitter. Criteria: GeneDx Variant Classification Process June 2021. Collection method: clinical testing. Allele origin: germline. Affected: yes.
Comment: Canonical splice site variant expected to result in aberrant splicing, although in the absence of functional evidence the actual effect of this sequence change is unknown.; Not observed at significant frequency in large population cohorts (gnomAD); This variant is associated with the following publications: (PMID: 30919572)

Baylor Genetics
Classification: Likely pathogenic for Hermansky-Pudlak syndrome 1. Last evaluated: 2020-06-03. Review status: criteria provided, single submitter. Criteria: ACMG Guidelines, 2015. Collection method: clinical testing. Allele origin: unknown. Affected: yes.
Comment: This variant was determined to be likely pathogenic according to ACMG Guidelines, 2015 [PMID:25741868].